The following is an entry in ClinVar:

NM_001166114.2(PNPLA6):c.3375C>T (p.Gly1125=)

Gene: PNPLA6 (patatin like domain 6, lysophospholipase; plus strand). Cytogenetic location: 19p13.2.
Variant type: single nucleotide variant.
Coding change: c.3375C>T on transcript NM_001166114.2 (MANE Select); coding-DNA position 3375, C replaced by T.
Protein change: p.Gly1125=; no amino-acid change (glycine 1125 retained).
Molecular consequence: synonymous variant.
Genome position (GRCh38, 1-based): chr19:7,557,262, C>T. VCF-style: chr19-7557262-C-T. GRCh37 (hg19) VCF-style: chr19-7622148-C-T.
Other names: c.3405C>T, p.Gly1135= (NM_001166111.2); c.3180C>T, p.Gly1060= (NM_001166112.2); c.3261C>T, p.Gly1087= (NM_001166113.1, NM_006702.5).
Identifiers: ClinVar variation 240696 (VCV000240696.35), dbSNP rs375987938, ClinGen allele CA9140438.

ClinVar aggregate classification (germline): Conflicting classifications of pathogenicity. Review status: criteria provided, conflicting classifications (1 of 4 stars). 4 submissions from 4 submitters: Uncertain significance (1); Likely benign (3). Last evaluated 2025-12-11.

Conditions:
Hereditary spastic paraplegia 39 (SPG39). Also called: SPASTIC PARAPLEGIA 39, AUTOSOMAL RECESSIVE; Spastic Paraplegia Type 39 (SPG39). Identifiers: Orphanet 139480, MedGen C2677586, MONDO:0012787, OMIM 612020.

Allele frequency attached by ClinVar (database versions not stated): gnomAD 0.00005; gnomAD exomes 0.00005; ExAC 0.00006; TOPMed 0.00006; ESP Exome Variant Server 0.00008.
gnomAD v4.1: 73 of 1,611,218 alleles (0.0045%); highest among the groups gnomAD compares: Middle Eastern, 0.016%; no homozygotes.

Submissions (4):

Labcorp Genetics (formerly Invitae), Labcorp
Classification: Likely benign for Hereditary spastic paraplegia 39. Last evaluated: 2025-12-11. Review status: criteria provided, single submitter. Criteria: Invitae Variant Classification Sherloc (09022015). Collection method: clinical testing. Allele origin: germline.

Blueprint Genetics
Classification: Likely benign. Last evaluated: 2024-02-15. Review status: criteria provided, single submitter. Criteria: ACMG Guidelines, 2015. Collection method: clinical testing. Allele origin: germline.

CeGaT Center for Human Genetics Tuebingen
Classification: Likely benign. Last evaluated: 2024-02-01. Review status: criteria provided, single submitter. Criteria: CeGaT Center For Human Genetics Tuebingen Variant Classification Criteria Version 2. Collection method: clinical testing. Allele origin: germline. Affected: yes. Observed: 1 variant allele.
Comment: PNPLA6: BP4, BP7

Illumina Laboratory Services, Illumina
Classification: Uncertain significance for Hereditary spastic paraplegia 39. Last evaluated: 2018-01-12. Review status: criteria provided, single submitter. Criteria: ICSL Variant Classification Criteria 13 December 2019. Collection method: clinical testing. Allele origin: germline.